The following is an entry in ClinVar:

ClinVar aggregate classification (germline): Uncertain significance. Review status: criteria provided, multiple submitters, no conflicts (2 of 4 stars). 2 submissions from 2 submitters: Uncertain significance (2). Last evaluated 2025-06-13.

Conditions:
Juvenile polyposis syndrome (JPS). Identifiers: Orphanet 2929, MedGen C0345893, MONDO:0017380, OMIM 174900.
Hereditary cancer-predisposing syndrome. Also called: Hereditary neoplastic syndrome; Tumor predisposition; Neoplastic Syndromes, Hereditary; Hereditary Cancer Syndrome. Identifiers: Orphanet 140162, MedGen C0027672, MeSH D009386, MONDO:0015356.
Familial thoracic aortic aneurysm and aortic dissection (TAAD). Also called: Thoracic aortic aneurysms and dissections. Identifiers: Orphanet 91387, MedGen C4707243, MONDO:0019625.

Submissions (2):

Ambry Genetics
Classification: Uncertain significance for Hereditary cancer-predisposing syndrome; Familial thoracic aortic aneurysm and aortic dissection. Last evaluated: 2025-06-13. Review status: criteria provided, single submitter. Criteria: Ambry Variant Classification Scheme 2023. Collection method: clinical testing. Allele origin: germline.
Comment: The p.I435M variant (also known as c.1305A>G), located in coding exon 9 of the SMAD4 gene, results from an A to G substitution at nucleotide position 1305. The isoleucine at codon 435 is replaced by methionine, an amino acid with highly similar properties. This amino acid position is conserved. In addition, this alteration is predicted to be deleterious by in silico analysis. Based on the available evidence, the clinical significance of this variant remains unclear.

Labcorp Genetics (formerly Invitae), Labcorp
Classification: Uncertain significance for Juvenile polyposis syndrome. Last evaluated: 2022-07-31. Review status: criteria provided, single submitter. Criteria: Invitae Variant Classification Sherloc (09022015). Collection method: clinical testing. Allele origin: germline.
Comment: In summary, the available evidence is currently insufficient to determine the role of this variant in disease. Therefore, it has been classified as a Variant of Uncertain Significance. Advanced modeling of protein sequence and biophysical properties (such as structural, functional, and spatial information, amino acid conservation, physicochemical variation, residue mobility, and thermodynamic stability) performed at Invitae indicates that this missense variant is not expected to disrupt SMAD4 protein function. This variant has not been reported in the literature in individuals affected with SMAD4-related conditions. This variant is not present in population databases (gnomAD no frequency). This sequence change replaces isoleucine, which is neutral and non-polar, with methionine, which is neutral and non-polar, at codon 435 of the SMAD4 protein (p.Ile435Met).

NM_005359.6(SMAD4):c.1305A>G (p.Ile435Met)

Gene: SMAD4 (SMAD family member 4; plus strand). Cytogenetic location: 18q21.2.
Variant type: single nucleotide variant.
Coding change: c.1305A>G on transcript NM_005359.6 (MANE Select); coding-DNA position 1305, A replaced by G.
Protein change: p.Ile435Met; replaces isoleucine 435 with methionine.
Molecular consequence: missense variant.
Genome position (GRCh38, 1-based): chr18:51,067,184, A>G. VCF-style: chr18-51067184-A-G. GRCh37 (hg19) VCF-style: chr18-48593554-A-G.
Other names: c.1305A>G, p.Ile435Met (NM_001407041.1, NM_001407042.1); short protein forms I435M.
Identifiers: ClinVar variation 1714607 (VCV001714607.6), dbSNP rs2144452914, ClinGen allele CA402465077.
Genomic context (GRCh38, chr18:51,067,184, plus strand): 5'-CAGAGAAGCTGGGCGTGCACCTGGAGATGCTGTTCATAAGATCTACCCAAGTGCATATAT[A>G]AAGGTTAGTTACAATTTTATTTGAATATTTTAGACTTAAAGCTCTATTTGTTGTCAAAAG-3'
Protein context (NP_005350.1, residues 425-445): AVHKIYPSAY[Ile435Met]KVFDLRQCHR